The following is an entry in ClinVar:

ClinVar aggregate classification (germline): Benign. Review status: criteria provided, single submitter (1 of 4 stars). 2 submissions from 2 submitters: Benign (1). 1 of the submissions does not count toward it. Last evaluated 2013-12-04.

Conditions:
Bloom syndrome (BLM). Also called: Bloom-Torre-Machacek syndrome. Identifiers: Orphanet 125, MedGen C0005859, MONDO:0008876, OMIM 210900.

Allele frequency attached by ClinVar (database versions not stated): 1000 Genomes Project 0.00040; 1000 Genomes Project 30x 0.00062; gnomAD 0.00145 and 0.00150; TOPMed 0.00169.

Submissions (2):

GeneDx
Classification: Benign. Last evaluated: 2013-12-04. Review status: criteria provided, single submitter. Criteria: GeneDx Variant Classification (06012015). Collection method: clinical testing. Allele origin: germline. Affected: yes.
Comment: This variant is considered likely benign or benign based on one or more of the following criteria: it is a conservative change, it occurs at a poorly conserved position in the protein, it is predicted to be benign by multiple in silico algorithms, and/or has population frequency not consistent with disease.

Natera, Inc.
Classification: Likely benign for Bloom syndrome. Last evaluated: 2018-04-09. Review status: no assertion criteria provided. Collection method: clinical testing. Allele origin: germline. Not counted in ClinVar's aggregate classification.

NM_000057.4(BLM):c.-5+16G>C

Gene: BLM (BLM RecQ like helicase; plus strand). Cytogenetic location: 15q26.1.
Variant type: single nucleotide variant.
Coding change: c.-5+16G>C on transcript NM_000057.4 (MANE Select); 16 bases into the intron after 5 bases upstream of the start codon, G replaced by C.
Molecular consequence: intron variant.
Genome position (GRCh38, 1-based): chr15:90,717,456, G>C. VCF-style: chr15-90717456-G-C. GRCh37 (hg19) VCF-style: chr15-91260687-G-C.
Other names: c.-5+16G>C (LRG_20t1, NM_001287247.2); c.-115+16G>C (NM_001287246.2); c.-1296+16G>C (NM_001287248.2).
Identifiers: ClinVar variation 136515 (VCV000136515.2), dbSNP rs547768822, ClinGen allele CA289702.